The following is an entry in ClinVar:

NM_000088.4(COL1A1):c.814G>A (p.Gly272Ser)

Genes: COL1A1 (collagen type I alpha 1 chain; minus strand), LOC126862586 (CDK7 strongly-dependent group 2 enhancer GRCh37_chr17:48273702-48274901; plus strand). Cytogenetic location: 17q21.33.
Variant type: single nucleotide variant.
Coding change: c.814G>A on transcript NM_000088.4 (MANE Select); coding-DNA position 814, G replaced by A.
Protein change: p.Gly272Ser; replaces glycine 272 with serine.
Molecular consequence: missense variant.
Genome position (GRCh38, 1-based): chr17:50,196,661, C>T on the plus strand (G>A on the coding strand, the complement: COL1A1 is on the minus strand). VCF-style: chr17-50196661-C-T. GRCh37 (hg19) VCF-style: chr17-48274022-C-T.
Other names: short protein forms G272S.
Identifiers: ClinVar variation 1071489 (VCV001071489.9), dbSNP rs72645331, ClinGen allele CA400222668.

ClinVar aggregate classification (germline): Pathogenic (1 of 4 stars; one submission).

Conditions:
Osteogenesis imperfecta type I (OI1). Also called: OI, TYPE I; OSTEOGENESIS IMPERFECTA TARDA; OSTEOGENESIS IMPERFECTA WITH BLUE SCLERAE; Lobstein disease; Osteogenesis imperfecta type 1; Lobstein's Disease. Identifiers: Orphanet 216796, Orphanet 666, MedGen C0023931, MONDO:0008146, OMIM 166200. Disease mechanism: loss of function.

Submission:

Labcorp Genetics (formerly Invitae), Labcorp
Classification: Pathogenic for Osteogenesis imperfecta type I. Last evaluated: 2022-07-25. Review status: criteria provided, single submitter. Criteria: Invitae Variant Classification Sherloc (09022015). Collection method: clinical testing. Allele origin: germline.
Comment: Advanced modeling of protein sequence and biophysical properties (such as structural, functional, and spatial information, amino acid conservation, physicochemical variation, residue mobility, and thermodynamic stability) performed at Invitae indicates that this missense variant is expected to disrupt COL1A1 protein function. This variant disrupts the triple helix domain of COL1A1. Glycine residues within the Gly-Xaa-Yaa repeats of the triple helix domain are required for the structure and stability of fibrillar collagens (PMID: 7695699, 8218237, 19344236). In COL1A1, variants affecting these glycine residues are significantly enriched in individuals with disease (PMID: 9016532, 17078022) compared to the general population (ExAC). For these reasons, this variant has been classified as Pathogenic. ClinVar contains an entry for this variant (Variation ID: 1071489). This sequence change replaces glycine, which is neutral and non-polar, with serine, which is neutral and polar, at codon 272 of the COL1A1 protein (p.Gly272Ser). This variant is not present in population databases (gnomAD no frequency). This missense change has been observed in individuals with osteogenesis imperfecta (PMID: 30715774).

Literature cited by the submitters: PubMed 7695699; PubMed 8218237; PubMed 19344236; PubMed 9016532; PubMed 17078022; PubMed 30715774.